The following is an entry in ClinVar:

NM_000384.3(APOB):c.3105T>G (p.Phe1035Leu)

Gene: APOB (apolipoprotein B; minus strand). Cytogenetic location: 2p24.1.
Variant type: single nucleotide variant.
Coding change: c.3105T>G on transcript NM_000384.3 (MANE Select); coding-DNA position 3105, T replaced by G.
Protein change: p.Phe1035Leu; replaces phenylalanine 1035 with leucine.
Molecular consequence: missense variant.
Genome position (GRCh38, 1-based): chr2:21,019,008, A>C on the plus strand (T>G on the coding strand, the complement: APOB is on the minus strand). VCF-style: chr2-21019008-A-C. GRCh37 (hg19) VCF-style: chr2-21241880-A-C.
Other names: short protein forms F1035L.
Identifiers: ClinVar variation 3339963 (VCV003339963.2), dbSNP rs1033453580.

ClinVar aggregate classification (germline): Uncertain significance. Review status: criteria provided, multiple submitters, no conflicts (2 of 4 stars). 2 submissions from 2 submitters: Uncertain significance (2). Last evaluated 2024-07-14.

Conditions:
Cardiovascular phenotype. Identifiers: MedGen CN230736.

Allele frequency attached by ClinVar (database versions not stated): gnomAD 0.00002; TOPMed 0.00003.

Submissions (2):

Ambry Genetics
Classification: Uncertain significance for Cardiovascular phenotype. Last evaluated: 2024-07-14. Review status: criteria provided, single submitter. Criteria: Ambry Variant Classification Scheme 2023. Collection method: clinical testing. Allele origin: germline.
Comment: The p.F1035L variant (also known as c.3105T>G), located in coding exon 20 of the APOB gene, results from a T to G substitution at nucleotide position 3105. The phenylalanine at codon 1035 is replaced by leucine, an amino acid with highly similar properties. This amino acid position is conserved. In addition, this alteration is predicted to be tolerated by in silico analysis. Based on the available evidence, the clinical significance of this variant remains unclear.

Women's Health and Genetics/Laboratory Corporation of America, LabCorp
Classification: Uncertain significance. Last evaluated: 2024-06-19. Review status: criteria provided, single submitter. Criteria: LabCorp Variant Classification Summary - May 2015. Collection method: clinical testing. Allele origin: germline.
Comment: Variant summary: APOB c.3105T>G (p.Phe1035Leu) results in a non-conservative amino acid change in the encoded protein sequence. Four of five in-silico tools predict a benign effect of the variant on protein function. The variant allele was found at a frequency of 8e-06 in 251428 control chromosomes, predominantly at a frequency of 1.8e-05 within the Non-Finnish European subpopulation in the gnomAD database. The available data on variant occurrences in the general population are insufficient to allow any conclusion about variant significance. To our knowledge, no occurrence of c.3105T>G in individuals affected with Early Onset Coronary Artery Disease and no experimental evidence demonstrating its impact on protein function have been reported. No submitters have cited clinical-significance assessments for this variant to ClinVar. Based on the evidence outlined above, the variant was classified as uncertain significance.